The following is an entry in ClinVar:

NM_001244008.2(KIF1A):c.4723G>A (p.Val1575Ile)

Gene: KIF1A (kinesin family member 1A; minus strand). Cytogenetic location: 2q37.3.
Variant type: single nucleotide variant.
Coding change: c.4723G>A on transcript NM_001244008.2 (MANE Select); coding-DNA position 4723, G replaced by A.
Protein change: p.Val1575Ile; replaces valine 1575 with isoleucine.
Molecular consequence: missense variant.
Genome position (GRCh38, 1-based): chr2:240,721,827, C>T on the plus strand (G>A on the coding strand, the complement: KIF1A is on the minus strand). VCF-style: chr2-240721827-C-T. GRCh37 (hg19) VCF-style: chr2-241661244-C-T.
Other names: c.4447G>A, p.Val1483Ile (NM_001320705.2, NM_001379649.1); c.4474G>A, p.Val1492Ile (NM_001330289.2); c.4522G>A, p.Val1508Ile (NM_001330290.2, NM_001379648.1); c.4798G>A, p.Val1600Ile (NM_001379631.1); c.4699G>A, p.Val1567Ile (NM_001379632.1); c.4696G>A, p.Val1566Ile (NM_001379633.1, NM_001379645.1); c.4549G>A, p.Val1517Ile (NM_001379634.1); c.4546G>A, p.Val1516Ile (NM_001379635.1, NM_001379646.1); and 7 more; short protein forms V1473I, V1474I, V1482I, V1483I, V1491I, V1492I, V1499I, V1508I.
Identifiers: ClinVar variation 1315565 (VCV001315565.5), dbSNP rs779019920, ClinGen allele CA2207340.

ClinVar aggregate classification (germline): Conflicting classifications of pathogenicity. Review status: criteria provided, conflicting classifications (1 of 4 stars). 3 submissions from 3 submitters: Uncertain significance (2); Likely benign (1). Last evaluated 2025-04-29.

Conditions:
Neuropathy, hereditary sensory, type 2C. Also called: KIF1A-Related HSAN2 (HSAN2C); Hereditary sensory and autonomic neuropathy type IIC. Identifiers: Orphanet 970, MedGen C3280168, MONDO:0013634, OMIM 614213.
Intellectual disability, autosomal dominant 9 (NESCAVS). Also called: KIF1A-Related Neurodevelopmental Disorder; NESCAV SYNDROME. Identifiers: Orphanet 662367, MedGen C5393830, MONDO:0013656, OMIM 614255.
Hereditary spastic paraplegia 30. Identifiers: Orphanet 101010, MedGen C5235139, MONDO:0012476.

Allele frequency attached by ClinVar (database versions not stated): ExAC 0.00002; gnomAD exomes 0.00002.
gnomAD v4.1: 12 of 1,606,694 alleles (0.00075%); highest among the groups gnomAD compares: Admixed American, 0.0033%; no homozygotes.

Submissions (3):

Labcorp Genetics (formerly Invitae), Labcorp
Classification: Likely benign for Hereditary spastic paraplegia 30; Neuropathy, hereditary sensory, type 2C; Intellectual disability, autosomal dominant 9. Last evaluated: 2025-04-29. Review status: criteria provided, single submitter. Criteria: Invitae Variant Classification Sherloc (09022015). Collection method: clinical testing. Allele origin: germline.

GeneDx
Classification: Uncertain significance. Last evaluated: 2021-11-02. Review status: criteria provided, single submitter. Criteria: GeneDx Variant Classification Process June 2021. Collection method: clinical testing. Allele origin: germline. Affected: yes.
Comment: In silico analysis supports that this missense variant does not alter protein structure/function; Has not been previously published as pathogenic or benign to our knowledge

Breakthrough Genomics
Classification: Uncertain significance. Review status: criteria provided, single submitter. Criteria: ACMG Guidelines, 2015. Collection method: not provided. Allele origin: germline. Inheritance: Autosomal recessive inheritance. Affected: yes.